The following is an entry in ClinVar:

ClinVar aggregate classification (germline): Uncertain significance (1 of 4 stars; one submission).

Conditions:
Joubert syndrome. Also called: CEREBELLOPARENCHYMAL DISORDER IV; JOUBERT-BOLTSHAUSER SYNDROME; Familial aplasia of the vermis. Identifiers: Orphanet 475, MedGen C5979921, MONDO:0018772.

Allele frequency attached by ClinVar (database versions not stated): ExAC 0.00001; TOPMed 0.00001; gnomAD exomes 0.00002.
gnomAD v4.1: 28 of 1,613,030 alleles (0.0017%); highest among the groups gnomAD compares: Middle Eastern, 0.017%; no homozygotes.

Submission:

Labcorp Genetics (formerly Invitae), Labcorp
Classification: Uncertain significance for Joubert syndrome. Last evaluated: 2026-01-05. Review status: criteria provided, single submitter. Criteria: Invitae Variant Classification Sherloc (09022015). Collection method: clinical testing. Allele origin: germline.
Comment: This sequence change replaces arginine, which is basic and polar, with tryptophan, which is neutral and slightly polar, at codon 723 of the AHI1 protein (p.Arg723Trp). This variant is present in population databases (rs761245375, gnomAD 0.0009%). This variant has not been reported in the literature in individuals affected with AHI1-related conditions. ClinVar contains an entry for this variant (Variation ID: 2897141). Invitae Evidence Modeling of protein sequence and biophysical properties (such as structural, functional, and spatial information, amino acid conservation, physicochemical variation, residue mobility, and thermodynamic stability) indicates that this missense variant is expected to disrupt AHI1 protein function with a positive predictive value of 80%. This variant disrupts the p.Arg723 amino acid residue in AHI1. Other variant(s) that disrupt this residue have been determined to be pathogenic (PMID: 16453322, 21623382, 26092869; internal data). This suggests that this residue is clinically significant, and that variants that disrupt this residue are likely to be disease-causing. In summary, the available evidence is currently insufficient to determine the role of this variant in disease. Therefore, it has been classified as a Variant of Uncertain Significance.

Literature cited by the submitters: PubMed 16453322; PubMed 21623382; PubMed 26092869.

NM_001134831.2(AHI1):c.2167C>T (p.Arg723Trp)

Gene: AHI1 (Abelson helper integration site 1; minus strand). Cytogenetic location: 6q23.3.
Variant type: single nucleotide variant.
Coding change: c.2167C>T on transcript NM_001134831.2 (MANE Select); coding-DNA position 2167, C replaced by T.
Protein change: p.Arg723Trp; replaces arginine 723 with tryptophan.
Molecular consequence: missense variant.
Genome position (GRCh38, 1-based): chr6:135,433,126, G>A on the plus strand (C>T on the coding strand, the complement: AHI1 is on the minus strand). VCF-style: chr6-135433126-G-A. GRCh37 (hg19) VCF-style: chr6-135754264-G-A.
Other names: c.2167C>T, p.Arg723Trp (NM_001134830.2, NM_001134832.2, NM_001350503.2 and 2 more transcripts); short protein forms R723W.
Identifiers: ClinVar variation 2897141 (VCV002897141.2), dbSNP rs761245375, ClinGen allele CA4012434.